The following is an entry in ClinVar:

NM_000038.6(APC):c.6583T>C (p.Tyr2195His)

Gene: APC (APC regulator of Wnt signaling pathway; plus strand). Cytogenetic location: 5q22.2.
Variant type: single nucleotide variant.
Coding change: c.6583T>C on transcript NM_000038.6 (MANE Select); coding-DNA position 6583, T replaced by C.
Protein change: p.Tyr2195His; replaces tyrosine 2195 with histidine.
Molecular consequence: missense variant. On other transcripts: non-coding transcript variant (2).
Genome position (GRCh38, 1-based): chr5:112,842,177, T>C. VCF-style: chr5-112842177-T-C. GRCh37 (hg19) VCF-style: chr5-112177874-T-C.
Other names: c.6583T>C, p.Tyr2195His (NM_001127510.3, NM_001354895.2, NM_001407450.1); c.6529T>C, p.Tyr2177His (NM_001127511.3); c.6637T>C, p.Tyr2213His (NM_001354896.2, NM_001407447.1, NM_001407448.1 and 1 more transcripts); c.6613T>C, p.Tyr2205His (NM_001354897.2); c.6508T>C, p.Tyr2170His (NM_001354898.2); c.6499T>C, p.Tyr2167His (NM_001354899.2); c.6460T>C, p.Tyr2154His (NM_001354900.2); c.6406T>C, p.Tyr2136His (NM_001354901.2, NM_001407453.1); and 12 more; short protein forms Y2066H, Y2094H, Y2104H, Y2112H, Y2154H, Y2167H, Y2205H, Y1912H.
Identifiers: ClinVar variation 2727822 (VCV002727822.5), dbSNP rs1165586440, ClinGen allele CA16035734.

ClinVar aggregate classification (germline): Uncertain significance. Review status: criteria provided, multiple submitters, no conflicts (2 of 4 stars). 3 submissions from 3 submitters: Uncertain significance (3). Last evaluated 2024-09-02.

Conditions:
Classic or attenuated familial adenomatous polyposis. Identifiers: MedGen CN372698, MONDO:0021057.
Familial adenomatous polyposis 1 (FAP1). Also called: FAMILIAL ADENOMATOUS POLYPOSIS 1, ATTENUATED; POLYPOSIS, ADENOMATOUS INTESTINAL. Identifiers: MedGen C2713442, MONDO:0021056, OMIM 175100. Disease mechanism: loss of function.
Hereditary cancer-predisposing syndrome. Also called: Hereditary Cancer Syndrome; Tumor predisposition; Neoplastic Syndromes, Hereditary; Hereditary neoplastic syndrome. Identifiers: Orphanet 140162, MedGen C0027672, MeSH D009386, MONDO:0015356.

Allele frequency attached by ClinVar (database versions not stated): TOPMed below 0.00001.

Submissions (3):

Ambry Genetics
Classification: Uncertain significance for Hereditary cancer-predisposing syndrome. Last evaluated: 2024-09-02. Review status: criteria provided, single submitter. Criteria: Ambry Variant Classification Scheme 2023. Collection method: clinical testing. Allele origin: germline.
Comment: The p.Y2195H variant (also known as c.6583T>C), located in coding exon 15 of the APC gene, results from a T to C substitution at nucleotide position 6583. The tyrosine at codon 2195 is replaced by histidine, an amino acid with similar properties. This amino acid position is conserved. In addition, in silico predictors for this gene do not accurately predict pathogenicity. Based on the available evidence, the clinical significance of this variant remains unclear.

All of Us Research Program, National Institutes of Health
Classification: Uncertain significance for Classic or attenuated familial adenomatous polyposis. Last evaluated: 2024-07-20. Review status: criteria provided, single submitter. Criteria: ACMG Guidelines, 2015. Collection method: clinical testing. Allele origin: germline. Inheritance: Autosomal dominant inheritance. Observed: 1 variant allele, 1 heterozygote.
Comment: This missense variant replaces tyrosine with histidine at codon 2195 of the APC protein. Computational prediction suggests that this variant may not impact protein structure and function (internally defined REVEL score threshold <= 0.5, PMID: 27666373). To our knowledge, functional studies have not been reported for this variant. This variant has not been reported in individuals affected with APC-related disorders in the literature. This variant has not been identified in the general population by the Genome Aggregation Database (gnomAD). The available evidence is insufficient to determine the role of this variant in disease conclusively. Therefore, this variant is classified as a Variant of Uncertain Significance.

This study involves interpretation of variants in research participants for the purpose of population health screening. Participant phenotype was not available at the time of variant classification. Additional details can be found in publication PMID: 35346344, PMCID: PMC8962531

Labcorp Genetics (formerly Invitae), Labcorp
Classification: Uncertain significance for Familial adenomatous polyposis 1. Last evaluated: 2023-08-09. Review status: criteria provided, single submitter. Criteria: Invitae Variant Classification Sherloc (09022015). Collection method: clinical testing. Allele origin: germline.
Comment: This sequence change replaces tyrosine, which is neutral and polar, with histidine, which is basic and polar, at codon 2195 of the APC protein (p.Tyr2195His). This variant is not present in population databases (gnomAD no frequency). This variant has not been reported in the literature in individuals affected with APC-related conditions. Advanced modeling of protein sequence and biophysical properties (such as structural, functional, and spatial information, amino acid conservation, physicochemical variation, residue mobility, and thermodynamic stability) performed at Invitae indicates that this missense variant is not expected to disrupt APC protein function. In summary, the available evidence is currently insufficient to determine the role of this variant in disease. Therefore, it has been classified as a Variant of Uncertain Significance.